The following is an entry in ClinVar:

ClinVar aggregate classification (germline): Uncertain significance (1 of 4 stars; one submission).

Conditions:
Malignant hyperthermia, susceptibility to, 5 (MHS5). Also called: CACNA1S-Related Malignant Hyperthermia Susceptibility. Identifiers: Orphanet 423, MedGen C1866077, MONDO:0011163, OMIM 601887.

Submission:

All of Us Research Program, National Institutes of Health
Classification: Uncertain significance for Malignant hyperthermia, susceptibility to, 5. Last evaluated: 2023-11-20. Review status: criteria provided, single submitter. Criteria: ACMG Guidelines, 2015. Collection method: clinical testing. Allele origin: germline. Inheritance: Autosomal dominant inheritance. Observed: 1 variant allele, 1 heterozygote.
Comment: This missense variant replaces glutamic acid with alanine at codon 22 of the CACNA1S protein. Computational prediction suggests that this variant may not impact protein structure and function (internally defined REVEL score threshold <= 0.5, PMID: 27666373). To our knowledge, functional studies have not been reported for this variant. This variant has not been reported in individuals affected with CACNA1S-related disorders in the literature. This variant has not been identified in the general population by the Genome Aggregation Database (gnomAD). The available evidence is insufficient to determine the role of this variant in disease conclusively. Therefore, this variant is classified as a Variant of Uncertain Significance.

This study involves interpretation of variants in research participants for the purpose of population health screening. Participant phenotype was not available at the time of variant classification. Additional details can be found in publication PMID: 35346344, PMCID: PMC8962531

NM_000069.3(CACNA1S):c.65A>C (p.Glu22Ala)

Gene: CACNA1S (calcium voltage-gated channel subunit alpha1 S; minus strand). Cytogenetic location: 1q32.1.
Variant type: single nucleotide variant.
Coding change: c.65A>C on transcript NM_000069.3 (MANE Select); coding-DNA position 65, A replaced by C.
Protein change: p.Glu22Ala; replaces glutamic acid 22 with alanine.
Molecular consequence: missense variant.
Genome position (GRCh38, 1-based): chr1:201,112,275, T>G on the plus strand (A>C on the coding strand, the complement: CACNA1S is on the minus strand). VCF-style: chr1-201112275-T-G. GRCh37 (hg19) VCF-style: chr1-201081403-T-G.
Other names: short protein forms E22A.
Identifiers: ClinVar variation 3074620 (VCV003074620.1), dbSNP rs745835, ClinGen allele CA344158339.